The following is an entry in ClinVar:

NM_133259.4(LRPPRC):c.1378G>T (p.Glu460Ter)

Gene: LRPPRC (leucine rich pentatricopeptide repeat containing; minus strand). Cytogenetic location: 2p21.
Variant type: single nucleotide variant.
Coding change: c.1378G>T on transcript NM_133259.4 (MANE Select); coding-DNA position 1378, G replaced by T.
Protein change: p.Glu460Ter; replaces glutamic acid 460 with a stop codon.
Molecular consequence: nonsense.
Genome position (GRCh38, 1-based): chr2:43,963,698, C>A on the plus strand (G>T on the coding strand, the complement: LRPPRC is on the minus strand). VCF-style: chr2-43963698-C-A. GRCh37 (hg19) VCF-style: chr2-44190837-C-A.
Other names: short protein forms E460*.
Identifiers: ClinVar variation 1726760 (VCV001726760.2), dbSNP rs2466627828, ClinGen allele CA346679524.

ClinVar aggregate classification (germline): Likely pathogenic (1 of 4 stars; one submission).

Conditions:
Congenital lactic acidosis, Saguenay-Lac-Saint-Jean type (MC4DN5). Also called: CYTOCHROME c OXIDASE DEFICIENCY, FRENCH CANADIAN TYPE; COX DEFICIENCY, FRENCH CANADIAN TYPE; MITOCHONDRIAL COMPLEX IV DEFICIENCY, NUCLEAR TYPE 5. Identifiers: Orphanet 70472, MedGen C1857355, MONDO:0009069, OMIM 220111.

Submission:

Myriad Genetics, Inc.
Classification: Likely pathogenic for Congenital lactic acidosis, Saguenay-Lac-Saint-Jean type. Last evaluated: 2022-01-25. Review status: criteria provided, single submitter. Criteria: Myriad Women's Health Autosomal Recessive and X-Linked Classification Criteria (2021). Collection method: clinical testing. Allele origin: unknown.
Comment: NM_133259.3(LRPPRC):c.1378G>T(E460*) is expected to be pathogenic in the context of Leigh syndrome, French-Canadian type. This variant is predicted to lead to an abnormal or absent protein product due to the creation of a premature termination codon in LRPPRC, a gene where loss-of-function variants are known to be pathogenic. Please note: this variant was assessed in the context of healthy population screening.